The following is an entry in ClinVar:

ClinVar aggregate classification (germline): Uncertain significance. Review status: criteria provided, multiple submitters, no conflicts (2 of 4 stars). 4 submissions from 4 submitters: Uncertain significance (4). Last evaluated 2025-12-20.

Conditions:
POLD1-related polyposis and colorectal cancer syndrome (CRCS10). Also called: COLORECTAL CANCER, SUSCEPTIBILITY TO, ON CHROMOSOME 19q; Colorectal cancer 10; Colorectal cancer, susceptibility to, 10. Identifiers: Orphanet 220460, MedGen C2675481, MONDO:0012953, OMIM 612591.
Hereditary cancer-predisposing syndrome. Also called: Hereditary Cancer Syndrome; Neoplastic Syndromes, Hereditary; Hereditary neoplastic syndrome; Tumor predisposition. Identifiers: Orphanet 140162, MedGen C0027672, MeSH D009386, MONDO:0015356.

Allele frequency attached by ClinVar (database versions not stated): gnomAD exomes 0.00001; TOPMed 0.00001.

Submissions (4):

Labcorp Genetics (formerly Invitae), Labcorp
Classification: Uncertain significance for POLD1-related polyposis and colorectal cancer syndrome. Last evaluated: 2025-12-20. Review status: criteria provided, single submitter. Criteria: Invitae Variant Classification Sherloc (09022015). Collection method: clinical testing. Allele origin: germline.
Comment: This sequence change replaces threonine, which is neutral and polar, with methionine, which is neutral and non-polar, at codon 989 of the POLD1 protein (p.Thr989Met). The frequency data for this variant in the population databases is considered unreliable, as metrics indicate poor data quality at this position in the gnomAD database. This variant has not been reported in the literature in individuals affected with POLD1-related conditions. ClinVar contains an entry for this variant (Variation ID: 239324). Invitae Evidence Modeling of protein sequence and biophysical properties (such as structural, functional, and spatial information, amino acid conservation, physicochemical variation, residue mobility, and thermodynamic stability) indicates that this missense variant is not expected to disrupt POLD1 protein function with a negative predictive value of 80%. In summary, the available evidence is currently insufficient to determine the role of this variant in disease. Therefore, it has been classified as a Variant of Uncertain Significance.

Ambry Genetics
Classification: Uncertain significance for Hereditary cancer-predisposing syndrome. Last evaluated: 2025-01-14. Review status: criteria provided, single submitter. Criteria: Ambry Variant Classification Scheme 2023. Collection method: clinical testing. Allele origin: germline.
Comment: The p.T989M variant (also known as c.2966C>T), located in coding exon 23 of the POLD1 gene, results from a C to T substitution at nucleotide position 2966. The threonine at codon 989 is replaced by methionine, an amino acid with similar properties. This amino acid position is well conserved in available vertebrate species. In addition, this alteration is predicted to be tolerated by in silico analysis. Based on the available evidence, the clinical significance of this variant remains unclear.

GeneDx
Classification: Uncertain significance. Last evaluated: 2024-06-30. Review status: criteria provided, single submitter. Criteria: GeneDx Variant Classification Process June 2021. Collection method: clinical testing. Allele origin: germline. Affected: yes.
Comment: Not observed at significant frequency in large population cohorts (gnomAD); In silico analysis supports that this missense variant has a deleterious effect on protein structure/function; Has not been previously published as pathogenic or benign to our knowledge; This variant is associated with the following publications: (PMID: 29056344, 27121473)

Blueprint Genetics
Classification: Uncertain significance. Last evaluated: 2023-08-22. Review status: criteria provided, single submitter. Criteria: ACMG Guidelines, 2015. Collection method: clinical testing. Allele origin: germline.

NM_002691.4(POLD1):c.2966C>T (p.Thr989Met)

Gene: POLD1 (DNA polymerase delta 1, catalytic subunit; plus strand). Cytogenetic location: 19q13.33.
Variant type: single nucleotide variant.
Coding change: c.2966C>T on transcript NM_002691.4 (MANE Select); coding-DNA position 2966, C replaced by T.
Protein change: p.Thr989Met; replaces threonine 989 with methionine.
Molecular consequence: missense variant. On other transcripts: non-coding transcript variant (1).
Genome position (GRCh38, 1-based): chr19:50,416,622, C>T. VCF-style: chr19-50416622-C-T. GRCh37 (hg19) VCF-style: chr19-50919879-C-T.
Other names: c.2966C>T, p.Thr989Met (NM_001256849.1); c.3044C>T, p.Thr1015Met (NM_001308632.1); short protein forms T1015M, T989M.
Identifiers: ClinVar variation 239324 (VCV000239324.20), dbSNP rs866317622, ClinGen allele CA10583858.